The following is an entry in ClinVar:

NM_007294.4(BRCA1):c.4783T>G (p.Ser1595Ala)

Gene: BRCA1 (BRCA1 DNA repair associated; minus strand). Cytogenetic location: 17q21.31.
Variant type: single nucleotide variant.
Coding change: c.4783T>G on transcript NM_007294.4 (MANE Select); coding-DNA position 4783, T replaced by G.
Protein change: p.Ser1595Ala; replaces serine 1595 with alanine.
Molecular consequence: missense variant. On other transcripts: intron variant (1).
Genome position (GRCh38, 1-based): chr17:43,071,131, A>C on the plus strand (T>G on the coding strand, the complement: BRCA1 is on the minus strand). VCF-style: chr17-43071131-A-C. GRCh37 (hg19) VCF-style: chr17-41223148-A-C.
Other names: c.4780T>G, p.Ser1594Ala (NM_001407613.1, NM_001407614.1, NM_001407615.1 and 17 more transcripts); c.4570T>G, p.Ser1524Ala (NM_001407571.1, NM_001407894.1, NM_001407895.1 and 12 more transcripts); c.4849T>G, p.Ser1617Ala (NM_001407581.1, NM_001407582.1); c.4846T>G, p.Ser1616Ala (NM_001407583.1, NM_001407585.1, NM_001407587.1 and 1 more transcripts); c.4843T>G, p.Ser1615Ala (NM_001407590.1, NM_001407591.1); c.4783T>G, p.Ser1595Ala (NM_001407593.1, NM_001407594.1, NM_001407596.1 and 8 more transcripts); c.4777T>G, p.Ser1593Ala (NM_001407627.1, NM_001407628.1, NM_001407629.1 and 14 more transcripts); c.4774T>G, p.Ser1592Ala (NM_001407644.1, NM_001407645.1); and 71 more; short protein forms S1298A, S1441A, S1484A, S1525A, S1552A, S1567A, S1575A, S1590A.
Identifiers: ClinVar variation 2834642 (VCV002834642.3), dbSNP rs1325644035, ClinGen allele CA10591949.
Genomic context (GRCh38, chr17:43,071,131, plus strand): 5'-CTGGACTCTGGGCAGATTCTGCAACTTTCAATTGGGGAACTTTCAATGCAGAGGTTGAAG[A>C]TGGTATGTTGCCAACACGAGCTGACTCTGGGGCTCTGTCTTCAGAAGGATCAGATTCAGG-3'
Protein context (NP_009225.1, residues 1585-1605): PESARVGNIP[Ser1595Ala]STSALKVPQL

ClinVar aggregate classification (germline): Uncertain significance (1 of 4 stars; one submission).

Conditions:
Hereditary breast ovarian cancer syndrome. Also called: Hereditary breast and ovarian cancer syndrome (HBOC); Breast and ovarian cancer; BRCA1- and BRCA2-Associated Hereditary Breast and Ovarian Cancer; Hereditary breast and ovarian cancer syndrome; Hereditary breast and ovarian cancer; Hereditary breast and/or ovarian cancer syndrome. Identifiers: Orphanet 145, MedGen C0677776, MeSH D061325, MONDO:0003582. Disease mechanism: loss of function.

Submission:

Labcorp Genetics (formerly Invitae), Labcorp
Classification: Uncertain significance for Hereditary breast ovarian cancer syndrome. Last evaluated: 2023-02-04. Review status: criteria provided, single submitter. Criteria: Invitae Variant Classification Sherloc (09022015). Collection method: clinical testing. Allele origin: germline.
Comment: In summary, the available evidence is currently insufficient to determine the role of this variant in disease. Therefore, it has been classified as a Variant of Uncertain Significance. Advanced modeling of protein sequence and biophysical properties (such as structural, functional, and spatial information, amino acid conservation, physicochemical variation, residue mobility, and thermodynamic stability) performed at Invitae indicates that this missense variant is not expected to disrupt BRCA1 protein function. This variant has not been reported in the literature in individuals affected with BRCA1-related conditions. This variant is not present in population databases (gnomAD no frequency). This sequence change replaces serine, which is neutral and polar, with alanine, which is neutral and non-polar, at codon 1595 of the BRCA1 protein (p.Ser1595Ala).